The following is an entry in ClinVar:

ClinVar aggregate classification (germline): Likely benign (1 of 4 stars; one submission).

Conditions:
Bloom syndrome (BLM). Also called: Bloom-Torre-Machacek syndrome. Identifiers: Orphanet 125, MedGen C0005859, MONDO:0008876, OMIM 210900.

Allele frequency attached by ClinVar (database versions not stated): gnomAD exomes 0.00013; gnomAD 0.00124 and 0.00133; TOPMed 0.00173; 1000 Genomes Project 0.00180; 1000 Genomes Project 30x 0.00187.
gnomAD v4.1: 371 of 1,503,950 alleles (0.025%); highest among the groups gnomAD compares: African/African-American, 0.47%; 1 homozygote.

Submission:

Illumina Laboratory Services, Illumina
Classification: Likely benign for Bloom syndrome. Last evaluated: 2018-01-13. Review status: criteria provided, single submitter. Criteria: ICSL Variant Classification Criteria 13 December 2019. Collection method: clinical testing. Allele origin: germline.
Comment: This variant was observed in the ICSL laboratory as part of a predisposition screen in an ostensibly healthy population. It had not been previously curated by ICSL or reported in the Human Gene Mutation Database (HGMD: prior to June 1st, 2018), and was therefore a candidate for classification through an automated scoring system. Utilizing variant allele frequency, disease prevalence and penetrance estimates, and inheritance mode, an automated score was calculated to assess if this variant is too frequent to cause the disease. Based on the score and internal cut-off values, a variant classified as likely benign is not then subjected to further curation. The score for this variant resulted in a classification of likely benign for this disease.

NM_000057.4(BLM):c.*77T>A

Gene: BLM (BLM RecQ like helicase; plus strand). Cytogenetic location: 15q26.1.
Variant type: single nucleotide variant.
Coding change: c.*77T>A on transcript NM_000057.4 (MANE Select); 77 bases downstream of the stop codon, T replaced by A.
Molecular consequence: 3 prime UTR variant.
Genome position (GRCh38, 1-based): chr15:90,815,356, T>A. VCF-style: chr15-90815356-T-A. GRCh37 (hg19) VCF-style: chr15-91358586-T-A.
Other names: c.*77T>A (LRG_20t1, NM_001287246.2, NM_001287247.2 and 1 more transcripts).
Identifiers: ClinVar variation 317414 (VCV000317414.5), dbSNP rs116293756, ClinGen allele CA10646714.